The following is an entry in ClinVar:

ClinVar aggregate classification (germline): Uncertain significance (1 of 4 stars; one submission).

Conditions:
Argininosuccinate lyase deficiency. Also called: Argininosuccinic aciduria; ARGININOSUCCINIC ACID LYASE DEFICIENCY; ASL DEFICIENCY. Identifiers: Orphanet 23, MedGen C0268547, MONDO:0008815, OMIM 207900, HP:0025630.

gnomAD v4.1: 1 of 1,613,744 alleles (0.000062%); highest among the groups gnomAD compares: South Asian, 0.0011%; no homozygotes.

Submission:

Labcorp Genetics (formerly Invitae), Labcorp
Classification: Uncertain significance for Argininosuccinate lyase deficiency. Last evaluated: 2025-10-04. Review status: criteria provided, single submitter. Criteria: Invitae Variant Classification Sherloc (09022015). Collection method: clinical testing. Allele origin: germline.
Comment: This sequence change affects codon 417 of the ASL mRNA. It is a 'silent' change, meaning that it does not change the encoded amino acid sequence of the ASL protein. This variant also falls at the last nucleotide of exon 16, which is part of the consensus splice site for this exon. This variant is not present in population databases (gnomAD no frequency). This variant has not been reported in the literature in individuals affected with ASL-related conditions. An algorithm developed to predict the effect of missense changes on protein structure and function (PolyPhen-2) suggests that this variant is likely to be disruptive. Variants that disrupt the consensus splice site are a relatively common cause of aberrant splicing (PMID: 17576681, 9536098). In summary, the available evidence is currently insufficient to determine the role of this variant in disease. Therefore, it has been classified as a Variant of Uncertain Significance.

Literature cited by the submitters: PubMed 17576681; PubMed 9536098.

NM_000048.4(ASL):c.1250G>A (p.Ser417Asn)

Gene: ASL (argininosuccinate lyase; plus strand). Cytogenetic location: 7q11.21.
Variant type: single nucleotide variant.
Coding change: c.1250G>A on transcript NM_000048.4 (MANE Select); coding-DNA position 1250, G replaced by A.
Protein change: p.Ser417Asn; replaces serine 417 with asparagine.
Molecular consequence: missense variant.
Genome position (GRCh38, 1-based): chr7:66,092,663, G>A. VCF-style: chr7-66092663-G-A. GRCh37 (hg19) VCF-style: chr7-65557650-G-A.
Other names: c.1250G>A, p.Ser417Asn (NM_001024943.2); c.1190G>A, p.Ser397Asn (NM_001024944.2); c.1172G>A, p.Ser391Asn (NM_001024946.2); short protein forms S397N, S391N, S417N.
Identifiers: ClinVar variation 4693208 (VCV004693208.1).